The following is an entry in ClinVar:

ClinVar aggregate classification (germline): Uncertain significance (1 of 4 stars; one submission).

Conditions:
Hereditary cancer-predisposing syndrome. Also called: Neoplastic Syndromes, Hereditary; Tumor predisposition; Hereditary Cancer Syndrome; Hereditary neoplastic syndrome. Identifiers: Orphanet 140162, MedGen C0027672, MeSH D009386, MONDO:0015356.

Submission:

Ambry Genetics
Classification: Uncertain significance for Hereditary cancer-predisposing syndrome. Last evaluated: 2020-08-13. Review status: criteria provided, single submitter. Criteria: Ambry Variant Classification Scheme 2023. Collection method: clinical testing. Allele origin: germline.
Comment: The p.L629V variant (also known as c.1885T>G), located in coding exon 14 of the APC gene, results from a T to G substitution at nucleotide position 1885. The leucine at codon 629 is replaced by valine, an amino acid with highly similar properties. This amino acid position is highly conserved in available vertebrate species. In addition, in silico predictors for this gene do not accurately predict pathogenicity. Since supporting evidence is limited at this time, the clinical significance of this alteration remains unclear.

NM_000038.6(APC):c.1885T>G (p.Leu629Val)

Gene: APC (APC regulator of Wnt signaling pathway; plus strand). Cytogenetic location: 5q22.2.
Variant type: single nucleotide variant.
Coding change: c.1885T>G on transcript NM_000038.6 (MANE Select); coding-DNA position 1885, T replaced by G.
Protein change: p.Leu629Val; replaces leucine 629 with valine.
Molecular consequence: missense variant.
Genome position (GRCh38, 1-based): chr5:112,835,092, T>G. VCF-style: chr5-112835092-T-G. GRCh37 (hg19) VCF-style: chr5-112170789-T-G.
Other names: c.1885T>G, p.Leu629Val (NM_001127510.3, NM_001354895.2, NM_001407450.1); c.1831T>G, p.Leu611Val (NM_001127511.3); c.1939T>G, p.Leu647Val (NM_001354896.2, NM_001407447.1, NM_001407448.1 and 1 more transcripts); c.1915T>G, p.Leu639Val (NM_001354897.2); c.1810T>G, p.Leu604Val (NM_001354898.2); c.1801T>G, p.Leu601Val (NM_001354899.2); c.1762T>G, p.Leu588Val (NM_001354900.2); c.1708T>G, p.Leu570Val (NM_001354901.2, NM_001407453.1); and 11 more; short protein forms L469V, L528V, L604V, L647V, L503V, L588V, L619V, L629V.
Identifiers: ClinVar variation 1781976 (VCV001781976.2), dbSNP rs2149843317, ClinGen allele CA16025440.